The following is an entry in ClinVar:

NM_001172303.3(MASTL):c.1414G>A (p.Glu472Lys)

Gene: MASTL (microtubule associated serine/threonine kinase like; plus strand). Cytogenetic location: 10p12.1.
Variant type: single nucleotide variant.
Coding change: c.1414G>A on transcript NM_001172303.3 (MANE Select); coding-DNA position 1414, G replaced by A.
Protein change: p.Glu472Lys; replaces glutamic acid 472 with lysine.
Molecular consequence: missense variant. On other transcripts: non-coding transcript variant (1).
Genome position (GRCh38, 1-based): chr10:27,170,373, G>A. VCF-style: chr10-27170373-G-A. GRCh37 (hg19) VCF-style: chr10-27459302-G-A.
Other names: c.1414G>A, p.Glu472Lys (NM_001172304.3, NM_001320756.2, NM_001320757.2 and 1 more transcripts); c.931G>A, p.Glu311Lys (NM_001372029.1, NM_001372030.1); short protein forms E311K, E472K.
Identifiers: ClinVar variation 2634283 (VCV002634283.2), dbSNP rs200461088, ClinGen allele CA5450213.

ClinVar aggregate classification (germline): Likely benign (0 of 4 stars; one submission).

Conditions:
MASTL-related disorder. Also called: MASTL-related condition.

Allele frequency attached by ClinVar (database versions not stated): TOPMed 0.00012; gnomAD 0.00014; 1000 Genomes Project 30x 0.00016; gnomAD exomes 0.00017; 1000 Genomes Project 0.00020; ExAC 0.00035.
gnomAD v4.1: 269 of 1,613,762 alleles (0.017%); highest among the groups gnomAD compares: Middle Eastern, 0.18%; 3 homozygotes.

Submission:

PreventionGenetics, part of Exact Sciences
Classification: Likely benign for MASTL-related condition. Last evaluated: 2024-04-17. Review status: no assertion criteria provided. Collection method: clinical testing. Allele origin: germline.
Comment: This variant is classified as likely benign based on ACMG/AMP sequence variant interpretation guidelines (Richards et al. 2015 PMID: 25741868, with internal and published modifications).